The following is an entry in ClinVar:

ClinVar aggregate classification (germline): Uncertain significance (1 of 4 stars; one submission).

Conditions:
Neuropathy, hereditary sensory and autonomic, type 1C. Also called: HSAN IC; HSN IC. Identifiers: Orphanet 36386, MedGen C3150896, MONDO:0013337, OMIM 613640.

Submission:

Labcorp Genetics (formerly Invitae), Labcorp
Classification: Uncertain significance for Neuropathy, hereditary sensory and autonomic, type 1C. Last evaluated: 2018-07-17. Review status: criteria provided, single submitter. Criteria: Invitae Variant Classification Sherloc (09022015). Collection method: clinical testing. Allele origin: germline.
Comment: In summary, the available evidence is currently insufficient to determine the role of this variant in disease. Therefore, it has been classified as a Variant of Uncertain Significance. Algorithms developed to predict the effect of missense changes on protein structure and function output the following: SIFT: "Tolerated"; PolyPhen-2: "Benign"; Align-GVGD: "Class C0". The tyrosine amino acid residue is found in multiple mammalian species, suggesting that this missense change does not adversely affect protein function. These predictions have not been confirmed by published functional studies and their clinical significance is uncertain. This variant has not been reported in the literature in individuals with SPTLC2-related disease. This variant is not present in population databases (ExAC no frequency). This sequence change replaces histidine with tyrosine at codon 101 of the SPTLC2 protein (p.His101Tyr). The histidine residue is moderately conserved and there is a moderate physicochemical difference between histidine and tyrosine.

NM_004863.4(SPTLC2):c.301C>T (p.His101Tyr)

Gene: SPTLC2 (serine palmitoyltransferase long chain base subunit 2; minus strand). Cytogenetic location: 14q24.3.
Variant type: single nucleotide variant.
Coding change: c.301C>T on transcript NM_004863.4 (MANE Select); coding-DNA position 301, C replaced by T.
Protein change: p.His101Tyr; replaces histidine 101 with tyrosine.
Molecular consequence: missense variant.
Genome position (GRCh38, 1-based): chr14:77,597,212, G>A on the plus strand (C>T on the coding strand, the complement: SPTLC2 is on the minus strand). VCF-style: chr14-77597212-G-A. GRCh37 (hg19) VCF-style: chr14-78063555-G-A.
Other names: short protein forms H101Y.
Identifiers: ClinVar variation 658038 (VCV000658038.8), dbSNP rs1595013256, ClinGen allele CA390705251.